The following is an entry in ClinVar:

ClinVar aggregate classification (germline): Uncertain significance (1 of 4 stars; one submission).

Allele frequency attached by ClinVar (database versions not stated): gnomAD exomes below 0.00001; TOPMed below 0.00001; ExAC 0.00001.
gnomAD v4.1: 1 of 1,613,996 alleles (0.000062%); highest among the groups gnomAD compares: African/African-American, 0.0013%; no homozygotes.

Submission:

Ambry Genetics
Classification: Uncertain significance. Last evaluated: 2022-03-17. Review status: criteria provided, single submitter. Criteria: Ambry Variant Classification Scheme 2023. Collection method: clinical testing. Allele origin: germline.
Comment: The p.I574T variant (also known as c.1721T>C), located in coding exon 12 of the MYLK2 gene, results from a T to C substitution at nucleotide position 1721. The isoleucine at codon 574 is replaced by threonine, an amino acid with similar properties. This amino acid position is conserved. In addition, this alteration is predicted to be tolerated by in silico analysis. Since supporting evidence is limited at this time, the clinical significance of this alteration remains unclear.

NM_033118.4(MYLK2):c.1721T>C (p.Ile574Thr)

Gene: MYLK2 (myosin light chain kinase 2; plus strand). Cytogenetic location: 20q11.21.
Variant type: single nucleotide variant.
Coding change: c.1721T>C on transcript NM_033118.4 (MANE Select); coding-DNA position 1721, T replaced by C.
Protein change: p.Ile574Thr; replaces isoleucine 574 with threonine.
Molecular consequence: missense variant.
Genome position (GRCh38, 1-based): chr20:31,833,727, T>C. VCF-style: chr20-31833727-T-C. GRCh37 (hg19) VCF-style: chr20-30421530-T-C.
Other names: short protein forms I574T.
Identifiers: ClinVar variation 1778779 (VCV001778779.2), dbSNP rs767320118, ClinGen allele CA9803324.
Genomic context (GRCh38, chr20:31,833,727, plus strand): 5'-TGCCCCCCTGCCCTGGTGTTGACTGGGACTCCCTCTCTTCTGCCCTCTAGAAAAACTTCA[T>C]TGCTGTCAGCGCTGCCAACCGCTTCAAGAAGATCAGCAGCTCGGGGGCACTGATGGCTCT-3'
Protein context (NP_149109.1, residues 564-584): LMKRRWKKNF[Ile574Thr]AVSAANRFKK